The following is an entry in ClinVar:

NM_006030.4(CACNA2D2):c.25G>T (p.Gly9Cys)

Gene: CACNA2D2 (calcium voltage-gated channel auxiliary subunit alpha2delta 2; minus strand). Cytogenetic location: 3p21.31.
Variant type: single nucleotide variant.
Coding change: c.25G>T on transcript NM_006030.4 (MANE Select); coding-DNA position 25, G replaced by T.
Protein change: p.Gly9Cys; replaces glycine 9 with cysteine.
Molecular consequence: missense variant. On other transcripts: intron variant (1).
Genome position (GRCh38, 1-based): chr3:50,503,399, C>A on the plus strand (G>T on the coding strand, the complement: CACNA2D2 is on the minus strand). VCF-style: chr3-50503399-C-A. GRCh37 (hg19) VCF-style: chr3-50540830-C-A.
Other names: c.25G>T, p.Gly9Cys (NM_001005505.3, NM_001174051.3, NM_001410768.1); c.-2+670G>T (NM_001291101.1); short protein forms G9C.
Identifiers: ClinVar variation 2073948 (VCV002073948.4), dbSNP rs1699068294, ClinGen allele CA353000525.

ClinVar aggregate classification (germline): Uncertain significance (1 of 4 stars; one submission).

Conditions:
Early-infantile DEE. Also called: Ohtahara syndrome; Early infantile epileptic encephalopathy with suppression bursts; Early infantile epileptic encephalopathy. Identifiers: Orphanet 1934, MedGen C0393706, MONDO:0800491.

Submission:

Labcorp Genetics (formerly Invitae), Labcorp
Classification: Uncertain significance for Early-infantile DEE. Last evaluated: 2022-01-17. Review status: criteria provided, single submitter. Criteria: Invitae Variant Classification Sherloc (09022015). Collection method: clinical testing. Allele origin: germline.
Comment: In summary, the available evidence is currently insufficient to determine the role of this variant in disease. Therefore, it has been classified as a Variant of Uncertain Significance. Algorithms developed to predict the effect of missense changes on protein structure and function are either unavailable or do not agree on the potential impact of this missense change (SIFT: "Deleterious"; PolyPhen-2: "Not Available"; Align-GVGD: "Class C0"). This variant has not been reported in the literature in individuals affected with CACNA2D2-related conditions. The frequency data for this variant in the population databases is considered unreliable, as metrics indicate insufficient coverage at this position in the gnomAD database. This sequence change replaces glycine, which is neutral and non-polar, with cysteine, which is neutral and slightly polar, at codon 9 of the CACNA2D2 protein (p.Gly9Cys).